The following is an entry in ClinVar:

NM_025137.4(SPG11):c.6100C>T (p.Arg2034Ter)

Gene: SPG11 (SPG11 vesicle trafficking associated, spatacsin; minus strand). Cytogenetic location: 15q21.1.
Variant type: single nucleotide variant.
Coding change: c.6100C>T on transcript NM_025137.4 (MANE Select); coding-DNA position 6100, C replaced by T.
Protein change: p.Arg2034Ter; replaces arginine 2034 with a stop codon.
Molecular consequence: nonsense. On other transcripts: intron variant (1).
Genome position (GRCh38, 1-based): chr15:44,573,652, G>A on the plus strand (C>T on the coding strand, the complement: SPG11 is on the minus strand). VCF-style: chr15-44573652-G-A. GRCh37 (hg19) VCF-style: chr15-44865850-G-A.
Other names: c.5867-832C>T (NM_001160227.2); short protein forms R2034*.
Identifiers: ClinVar variation 1109 (VCV000001109.35), dbSNP rs118203963, ClinGen allele CA249690.

ClinVar aggregate classification (germline): Pathogenic. Review status: criteria provided, multiple submitters, no conflicts (2 of 4 stars). 17 submissions from 15 submitters: Pathogenic (11). 6 of the submissions do not count toward it. Last evaluated 2025-08-12.

Conditions:
Charcot-Marie-Tooth disease axonal type 2X. Also called: CHARCOT-MARIE-TOOTH DISEASE, AXONAL, AUTOSOMAL RECESSIVE, TYPE 2X; CHARCOT-MARIE-TOOTH NEUROPATHY, TYPE 2X. Identifiers: Orphanet 466775, MedGen C5569024, MONDO:0014726, OMIM 616668.
Hereditary spastic paraplegia 11. Also called: Spastic Paraplegia 11; Nakamura Osame syndrome; Autosomal recessive hereditary spastic paraplegia, mental impairment, and thin corpus callosum; SPASTIC PARAPLEGIA, AUTOSOMAL RECESSIVE, COMPLICATED, WITH THIN CORPUS CALLOSUM; SPASTIC PARAPLEGIA, AUTOSOMAL RECESSIVE, WITH MENTAL IMPAIRMENT AND THIN CORPUS CALLOSUM; Spastic paraplegia, mental retardation and thin corpus callosum. Identifiers: Orphanet 2822, MedGen C1858479, MONDO:0011445, OMIM 604360.
Amyotrophic lateral sclerosis type 5 (ALS5). Also called: AMYOTROPHIC LATERAL SCLEROSIS 5, JUVENILE. Identifiers: Orphanet 300605, MedGen C1865864, MONDO:0011196, OMIM 602099.
Inborn genetic diseases. Identifiers: MedGen C0950123, MeSH D030342.

Allele frequency attached by ClinVar (database versions not stated): TOPMed 0.00002; gnomAD 0.00003.
gnomAD v4.1: 10 of 1,614,100 alleles (0.00062%); highest among the groups gnomAD compares: Admixed American, 0.005%; no homozygotes.

Submissions (17):

3billion
Classification: Pathogenic for Hereditary spastic paraplegia 11. Last evaluated: 2025-08-12. Review status: criteria provided, single submitter. Criteria: ACMG Guidelines, 2015. Collection method: clinical testing. Allele origin: germline. Affected: yes.
Comment: The variant is observed at an extremely low frequency in the gnomAD v4.1.0 dataset (total allele frequency: <0.001%). Predicted Consequence/Location: Stop-gained (nonsense): predicted to result in a loss or disruption of normal protein function through nonsense-mediated decay (NMD) or protein truncation. Multiple pathogenic variants are reported downstream of the variant. In silico tool predictions suggest damaging effect of the variant on gene or gene product [3Cnet: 0.82 (damaging >0.75, benign <0.1)]. The variant has been reported at least twice as pathogenic with clinical assertions and evidence for the classification (ClinVar ID: VCV000001109 /PMID: 17322883 /3billion dataset). Therefore, this variant is classified as Pathogenic according to the recommendation of ACMG/AMP guideline.

Victorian Clinical Genetics Services, Murdoch Childrens Research Institute
Classification: Pathogenic for Hereditary spastic paraplegia 11. Last evaluated: 2024-10-09. Review status: criteria provided, single submitter. Criteria: ACMG Guidelines, 2015. Collection method: clinical testing. Allele origin: germline. Inheritance: Autosomal recessive inheritance. Affected: yes.
Comment: Based on the classification scheme VCGS_Germline_v1.3.4, this variant is classified as Pathogenic. Following criteria are met: 0102 - Loss of function is a known mechanism of disease in this gene and is associated with juvenile amyotrophic lateral sclerosis 5 (MIM#602099), Charcot-Marie-Tooth disease, axonal, type 2X (MIM#616668) and spastic paraplegia 11 (MIM#604360). The genotype-phenotype correlation is currently unestablished. (I) 0106 - This gene is associated with autosomal recessive disease. (I) 0201 - Variant is predicted to cause nonsense-mediated decay (NMD) and loss of protein (premature termination codon is located at least 54 nucleotides upstream of the final exon-exon junction). (SP) 0251 - This variant is heterozygous. (I) 0304 - Variant is present in gnomAD (v2) <0.01 for a recessive condition (2 heterozygotes, 0 homozygotes). (SP) 0701 - Other NMD-predicted variant comparable to the one identified in this case have very strong previous evidence for pathogenicity (DECIPHER). (SP) 0801 - This variant has strong previous evidence of pathogenicity in unrelated individuals. This variant has been classified as pathogenic by multiple clinical laboratories in ClinVar. This variant has also been observed in multiple unrelated homozygous individuals with SPG11-related symptoms, as well as one individual with this variant and c.5866+1G>A (PMID: 18079167, VCGS internal database). (SP) 1208 - Inheritance information for this variant is not currently available in this individual. (I) Legend: (SP) - Supporting pathogenic, (I) - Information, (SB) - Supporting benign

Fulgent Genetics
Classification: Pathogenic for Amyotrophic lateral sclerosis type 5; Hereditary spastic paraplegia 11; Charcot-Marie-Tooth disease axonal type 2X. Last evaluated: 2024-04-14. Review status: criteria provided, single submitter. Criteria: ACMG Guidelines, 2015. Collection method: clinical testing. Allele origin: germline.

Labcorp Genetics (formerly Invitae), Labcorp
Classification: Pathogenic for Hereditary spastic paraplegia 11. Last evaluated: 2023-12-20. Review status: criteria provided, single submitter. Criteria: Invitae Variant Classification Sherloc (09022015). Collection method: clinical testing. Allele origin: germline.
Comment: This sequence change creates a premature translational stop signal (p.Arg2034*) in the SPG11 gene. It is expected to result in an absent or disrupted protein product. Loss-of-function variants in SPG11 are known to be pathogenic (PMID: 19105190, 20110243, 22154821, 26556829). This variant is present in population databases (rs118203963, gnomAD 0.01%). This premature translational stop signal has been observed in individual(s) with autosomal recessive hereditary spastic paraplegia (PMID: 17322883, 18079167, 18332254, 18663179, 19438933). ClinVar contains an entry for this variant (Variation ID: 1109). For these reasons, this variant has been classified as Pathogenic.

GeneDx
Classification: Pathogenic. Last evaluated: 2022-07-11. Review status: criteria provided, single submitter. Criteria: GeneDx Variant Classification Process June 2021. Collection method: clinical testing. Allele origin: germline. Affected: yes.
Comment: Nonsense variant predicted to result in protein truncation or nonsense mediated decay in a gene for which loss-of-function is a known mechanism of disease; Not observed at significant frequency in large population cohorts (gnomAD); This variant is associated with the following publications: (PMID: 27959697, 25525159, 17322883, 30510438, 18663179, 33059505)

CeGaT Center for Human Genetics Tuebingen
Classification: Pathogenic. Last evaluated: 2022-02-01. Review status: criteria provided, single submitter. Criteria: CeGaT Center For Human Genetics Tuebingen Variant Classification Criteria Version 2. Collection method: clinical testing. Allele origin: germline. Affected: yes. Observed: 1 variant allele.

Ambry Genetics
Classification: Pathogenic for Inborn genetic diseases. Last evaluated: 2020-11-25. Review status: criteria provided, single submitter. Criteria: Ambry Variant Classification Scheme 2023. Collection method: clinical testing. Allele origin: germline.
Comment: The p.R2034* pathogenic mutation (also known as c.6100C>T), located in coding exon 32 of the SPG11 gene, results from a C to T substitution at nucleotide position 6100. This changes the amino acid from an arginine to a stop codon within coding exon 32. This alteration has been reported in the homozygous state in multiple patients with hereditary spastic paraplegia (Stromillo ML et al. J Neurol, 2011 Dec;258:2240-7; Stevanin G et al. Nat Genet, 2007 Mar;39:366-72; Stevanin G et al. Brain, 2008 Mar;131:772-84), and has also been confirmed in trans with a frameshift alteration in a family with autosomal recessive axonal Charcot-Marie-Tooth disease (Montecchiani C et al. Brain, 2016 Jan;139:73-85). In addition to the clinical data presented in the literature, this alteration is expected to result in loss of function by premature protein truncation or nonsense-mediated mRNA decay. As such, this alteration is interpreted as a disease-causing mutation.

Baylor Genetics
Classification: Pathogenic for Hereditary spastic paraplegia 11. Last evaluated: 2020-06-17. Review status: criteria provided, single submitter. Criteria: ACMG Guidelines, 2015. Collection method: clinical testing. Allele origin: unknown. Affected: yes.
Comment: This variant was determined to be pathogenic according to ACMG Guidelines, 2015 [PMID:25741868].

Athena Diagnostics
Classification: Pathogenic. Last evaluated: 2017-01-20. Review status: criteria provided, single submitter. Criteria: Athena Diagnostics Criteria. Collection method: clinical testing. Allele origin: germline.

Genome-Nilou Lab
Classification: Pathogenic for Hereditary spastic paraplegia 11. Review status: criteria provided, single submitter. Criteria: ACMG Guidelines, 2015. Collection method: clinical testing. Allele origin: germline.

Paris Brain Institute, Inserm - ICM
Classification: Pathogenic for Hereditary spastic paraplegia 11. Review status: criteria provided, single submitter. Criteria: ACMG Guidelines, 2015. Collection method: clinical testing. Allele origin: unknown. Affected: yes. Observed: 2 variant alleles.

OMIM
Classification: Pathogenic for SPASTIC PARAPLEGIA 11, AUTOSOMAL RECESSIVE. Last evaluated: 2015-11-10. Review status: no assertion criteria provided. Collection method: literature only. Allele origin: germline. Not counted in ClinVar's aggregate classification.

OMIM
Classification: Pathogenic for CHARCOT-MARIE-TOOTH DISEASE, AXONAL, TYPE 2X. Last evaluated: 2015-11-10. Review status: no assertion criteria provided. Collection method: literature only. Allele origin: germline. Not counted in ClinVar's aggregate classification.

Baylor Genetics
Classification: Pathogenic for Hereditary spastic paraplegia 11; Charcot-Marie-Tooth disease axonal type 2X. Last evaluated: 2015-05-27. Review status: no assertion criteria provided. Collection method: clinical testing. Allele origin: germline. Inheritance: Autosomal recessive inheritance. Affected: yes. Observed: 1 variant allele, 1 homozygote. Not counted in ClinVar's aggregate classification.
Comment: The CA2 variant has been previously reported as disease-causing [PMID 1301935]. Heterozygotes would be expected to be asymptomatic carriers.

Clinical Genetics DNA and cytogenetics Diagnostics Lab, Erasmus MC, Erasmus Medical Center
Classification: Pathogenic. Review status: no assertion criteria provided. Collection method: clinical testing. Allele origin: germline. Affected: yes. Study: VKGL Data-share Consensus. Not counted in ClinVar's aggregate classification.

GeneReviews
No classification provided. Condition: Hereditary spastic paraplegia 11. Review status: no classification provided. Collection method: literature only. Allele origin: unknown. Not counted in ClinVar's aggregate classification.

Joint Genome Diagnostic Labs from Nijmegen and Maastricht, Radboudumc and MUMC+
Classification: Pathogenic. Review status: no assertion criteria provided. Collection method: clinical testing. Allele origin: germline. Affected: yes. Study: VKGL Data-share Consensus. Not counted in ClinVar's aggregate classification.

Literature cited by the submitters: PubMed 17322883 (cited by 7 submitters); PubMed 18079167 (cited by 5 submitters); PubMed 19105190 (cited by 3 submitters); PubMed 20110243 (cited by Labcorp Genetics (formerly Invitae), Labcorp); PubMed 22154821 (cited by Labcorp Genetics (formerly Invitae), Labcorp); PubMed 26556829 (cited by 3 submitters); PubMed 18332254 (cited by 4 submitters); PubMed 18663179 (cited by 3 submitters); PubMed 19438933 (cited by Labcorp Genetics (formerly Invitae), Labcorp and Athena Diagnostics); PubMed 21625935 (cited by Ambry Genetics); PubMed 20301389 (cited by GeneReviews); NCBI Bookshelf NBK1210 (cited by GeneReviews).